The following is an entry in ClinVar:

NM_022765.4(MICAL1):c.2304+16G>A

Gene: MICAL1 (microtubule associated monooxygenase, calponin and LIM domain containing 1; minus strand). Cytogenetic location: 6q21.
Variant type: single nucleotide variant.
Coding change: c.2304+16G>A on transcript NM_022765.4 (MANE Select); 16 bases into the intron after coding-DNA position 2304, G replaced by A.
Molecular consequence: intron variant.
Genome position (GRCh38, 1-based): chr6:109,446,680, C>T on the plus strand (G>A on the coding strand, the complement: MICAL1 is on the minus strand). VCF-style: chr6-109446680-C-T. GRCh37 (hg19) VCF-style: chr6-109767883-C-T.
Other names: c.2361+16G>A (NM_001286613.2); c.2046+16G>A (NM_001159291.2).
Identifiers: ClinVar variation 2978611 (VCV002978611.3), dbSNP rs893314688, ClinGen allele CA145118669.

ClinVar aggregate classification (germline): Uncertain significance (1 of 4 stars; one submission).

Allele frequency attached by ClinVar (database versions not stated): TOPMed 0.00007.
gnomAD v4.1: 36 of 1,611,712 alleles (0.0022%); highest among the groups gnomAD compares: Admixed American, 0.023%; no homozygotes.

Submission:

Labcorp Genetics (formerly Invitae), Labcorp
Classification: Uncertain significance. Last evaluated: 2025-05-15. Review status: criteria provided, single submitter. Criteria: Invitae Variant Classification Sherloc (09022015). Collection method: clinical testing. Allele origin: germline.
Comment: This sequence change falls in intron 18 of the MICAL1 gene. It does not directly change the encoded amino acid sequence of the MICAL1 protein. The frequency data for this variant in the population databases is considered unreliable, as metrics indicate poor data quality at this position in the gnomAD database. This variant has not been reported in the literature in individuals affected with MICAL1-related conditions. ClinVar contains an entry for this variant (Variation ID: 2978611). Algorithms developed to predict the effect of sequence changes on RNA splicing suggest that this variant may disrupt the consensus splice site. In summary, the available evidence is currently insufficient to determine the role of this variant in disease. Therefore, it has been classified as a Variant of Uncertain Significance.